The following is an entry in ClinVar:

ClinVar aggregate classification (germline): Likely benign (0 of 4 stars; one submission).

Conditions:
SLC24A4-related disorder. Also called: SLC24A4-related condition.

Allele frequency attached by ClinVar (database versions not stated): TOPMed 0.00006; gnomAD 0.00021; gnomAD exomes 0.00039; ExAC 0.00093; 1000 Genomes Project 30x 0.00234; 1000 Genomes Project 0.00260.
gnomAD v4.1: 604 of 1,614,134 alleles (0.037%); highest among the groups gnomAD compares: South Asian, 0.63%; 6 homozygotes.

Submission:

PreventionGenetics, part of Exact Sciences
Classification: Likely benign for SLC24A4-related condition. Last evaluated: 2020-02-17. Review status: no assertion criteria provided. Collection method: clinical testing. Allele origin: germline.
Comment: This variant is classified as likely benign based on ACMG/AMP sequence variant interpretation guidelines (Richards et al. 2015 PMID: 25741868, with internal and published modifications).

NM_153646.4(SLC24A4):c.1720C>T (p.Leu574Phe)

Gene: SLC24A4 (solute carrier family 24 member 4; plus strand). Cytogenetic location: 14q32.12.
Variant type: single nucleotide variant.
Coding change: c.1720C>T on transcript NM_153646.4 (MANE Select); coding-DNA position 1720, C replaced by T.
Protein change: p.Leu574Phe; replaces leucine 574 with phenylalanine.
Molecular consequence: missense variant.
Genome position (GRCh38, 1-based): chr14:92,493,479, C>T. VCF-style: chr14-92493479-C-T. GRCh37 (hg19) VCF-style: chr14-92959823-C-T.
Other names: c.1720C>T, p.Leu574Phe (NM_001378620.1); c.1663C>T, p.Leu555Phe (NM_001425254.1, NM_153647.4); c.1528C>T, p.Leu510Phe (NM_153648.4); short protein forms L510F, L555F, L574F.
Identifiers: ClinVar variation 3051418 (VCV003051418.2), dbSNP rs549720657, ClinGen allele CA7316257.